The following is an entry in ClinVar:

NM_001211.6(BUB1B):c.1892T>C (p.Leu631Pro)

Gene: BUB1B (BUB1 mitotic checkpoint serine/threonine kinase B; plus strand). Cytogenetic location: 15q15.1.
Variant type: single nucleotide variant.
Coding change: c.1892T>C on transcript NM_001211.6 (MANE Select); coding-DNA position 1892, T replaced by C.
Protein change: p.Leu631Pro; replaces leucine 631 with proline.
Molecular consequence: missense variant.
Genome position (GRCh38, 1-based): chr15:40,206,341, T>C. VCF-style: chr15-40206341-T-C. GRCh37 (hg19) VCF-style: chr15-40498542-T-C.
Other names: short protein forms L631P.
Identifiers: ClinVar variation 2565457 (VCV002565457.2), dbSNP rs776607305, ClinGen allele CA7475896.

ClinVar aggregate classification (germline): Uncertain significance (1 of 4 stars; one submission).

Conditions:
Inborn genetic diseases. Identifiers: MedGen C0950123, MeSH D030342.

Allele frequency attached by ClinVar (database versions not stated): gnomAD exomes below 0.00001; ExAC 0.00001.
gnomAD v4.1: 1 of 1,614,136 alleles (0.000062%); highest among the groups gnomAD compares: Non-Finnish European, 0.000085%; no homozygotes.

Submission:

Ambry Genetics
Classification: Uncertain significance for Inborn genetic diseases. Last evaluated: 2023-04-30. Review status: criteria provided, single submitter. Criteria: Ambry Variant Classification Scheme 2023. Collection method: clinical testing. Allele origin: germline.
Comment: The p.L631P variant (also known as c.1892T>C), located in coding exon 15 of the BUB1B gene, results from a T to C substitution at nucleotide position 1892. The leucine at codon 631 is replaced by proline, an amino acid with similar properties. This amino acid position is conserved. In addition, this alteration is predicted to be tolerated by in silico analysis. Since supporting evidence is limited at this time, the clinical significance of this alteration remains unclear.